The following is an entry in ClinVar:

NM_201384.3(PLEC):c.3166C>A (p.Pro1056Thr)

Gene: PLEC (plectin; minus strand). Cytogenetic location: 8q24.3.
Variant type: single nucleotide variant.
Coding change: c.3166C>A on transcript NM_201384.3 (MANE Select); coding-DNA position 3166, C replaced by A.
Protein change: p.Pro1056Thr; replaces proline 1056 with threonine.
Molecular consequence: missense variant.
Genome position (GRCh38, 1-based): chr8:143,929,197, G>T on the plus strand (C>A on the coding strand, the complement: PLEC is on the minus strand). VCF-style: chr8-143929197-G-T. GRCh37 (hg19) VCF-style: chr8-145003365-G-T.
Other names: c.3247C>A, p.Pro1083Thr (NM_000445.5, NM_001410941.1); c.3124C>A, p.Pro1042Thr (NM_201378.4); c.3100C>A, p.Pro1034Thr (NM_201379.3); c.3577C>A, p.Pro1193Thr (NM_201380.4); c.3070C>A, p.Pro1024Thr (NM_201381.3); c.3166C>A, p.Pro1056Thr (NM_201382.4); c.3178C>A, p.Pro1060Thr (NM_201383.3); short protein forms P1024T, P1034T, P1042T, P1056T, P1060T, P1083T, P1193T.
Identifiers: ClinVar variation 3761834 (VCV003761834.2).

ClinVar aggregate classification (germline): Uncertain significance (1 of 4 stars; one submission).

Conditions:
Epidermolysis bullosa simplex with nail dystrophy (EBS5D). Identifiers: MedGen C4225309, MONDO:0014661, OMIM 616487.
Epidermolysis bullosa simplex, Ogna type (EBS5A). Also called: EPIDERMOLYSIS BULLOSA SIMPLEX 5A, OGNA TYPE; Pidermolysis bullosa simplex 5A, Ogna type. Identifiers: Orphanet 79401, MedGen C0432317, MONDO:0007555, OMIM 131950.
Autosomal recessive limb-girdle muscular dystrophy type 2Q (LGMDR17). Also called: MUSCULAR DYSTROPHY, LIMB-GIRDLE, AUTOSOMAL RECESSIVE 17. Identifiers: Orphanet 254361, MedGen C3150989, MONDO:0013390, OMIM 613723.
Epidermolysis bullosa simplex 5B, with muscular dystrophy (EBS5B). Also called: EPIDERMOLYSIS BULLOSA SIMPLEX AND LIMB-GIRDLE MUSCULAR DYSTROPHY; Epidermolysis bullosa simplex with muscular dystrophy. Identifiers: Orphanet 257, MedGen C2931072, MONDO:0009181, OMIM 226670.
Epidermolysis bullosa simplex 5C, with pyloric atresia (EBS5C). Also called: PLEC1-Related Epidermolysis Bullosa with Pyloric Atresia; PLEC-Related Epidermolysis Bullosa with Pyloric Atresia; Epidermolysis bullosa simplex with pyloric atresia. Identifiers: Orphanet 158684, MedGen C2677349, MONDO:0012807, OMIM 612138.

gnomAD v4.1: 4 of 1,601,796 alleles (0.00025%); highest among the groups gnomAD compares: East Asian, 0.0067%; no homozygotes.

Submission:

Labcorp Genetics (formerly Invitae), Labcorp
Classification: Uncertain significance for Autosomal recessive limb-girdle muscular dystrophy type 2Q; Epidermolysis bullosa simplex, Ogna type; Epidermolysis bullosa simplex with nail dystrophy; Epidermolysis bullosa simplex 5C, with pyloric atresia; Epidermolysis bullosa simplex 5B, with muscular dystrophy. Last evaluated: 2024-04-18. Review status: criteria provided, single submitter. Criteria: Invitae Variant Classification Sherloc (09022015). Collection method: clinical testing. Allele origin: germline.
Comment: This sequence change replaces proline, which is neutral and non-polar, with threonine, which is neutral and polar, at codon 1083 of the PLEC protein (p.Pro1083Thr). The frequency data for this variant in the population databases is considered unreliable, as metrics indicate poor data quality at this position in the gnomAD database. This variant has not been reported in the literature in individuals affected with PLEC-related conditions. Advanced modeling of protein sequence and biophysical properties (such as structural, functional, and spatial information, amino acid conservation, physicochemical variation, residue mobility, and thermodynamic stability) performed at Invitae indicates that this missense variant is not expected to disrupt PLEC protein function with a negative predictive value of 80%. In summary, the available evidence is currently insufficient to determine the role of this variant in disease. Therefore, it has been classified as a Variant of Uncertain Significance.